The following is an entry in ClinVar:

NM_001375567.1(FOCAD):c.2782T>C (p.Tyr928His)

Gene: FOCAD (focadhesin; plus strand). Cytogenetic location: 9p21.3.
Variant type: single nucleotide variant.
Coding change: c.2782T>C on transcript NM_001375567.1 (MANE Select); coding-DNA position 2782, T replaced by C.
Protein change: p.Tyr928His; replaces tyrosine 928 with histidine.
Molecular consequence: missense variant.
Genome position (GRCh38, 1-based): chr9:20,912,929, T>C. VCF-style: chr9-20912929-T-C. GRCh37 (hg19) VCF-style: chr9-20912928-T-C.
Other names: c.2677T>C, p.Tyr893His (NM_001375568.1, NM_001375570.1); c.2782T>C, p.Tyr928His (NM_017794.5); short protein forms Y893H, Y928H.
Identifiers: ClinVar variation 4994917 (VCV004994917.1).

ClinVar aggregate classification (germline): Uncertain significance (1 of 4 stars; one submission).

Conditions:
FOCAD-related disorder. Also called: FOCAD-related condition.

gnomAD v4.1: 1 of 1,613,122 alleles (0.000062%); highest among the groups gnomAD compares: Non-Finnish European, 0.000085%; no homozygotes.

Submission:

PreventionGenetics, part of Exact Sciences
Classification: Uncertain significance for FOCAD-related condition. Last evaluated: 2025-10-28. Review status: criteria provided, single submitter. Criteria: ACMG Guidelines, 2015. Collection method: clinical testing. Allele origin: germline.
Comment: The FOCAD c.2782T>C variant is predicted to result in the amino acid substitution p.Tyr928His. To our knowledge, this variant has not been reported in the literature or in a large population database (gnomAD), indicating this variant is rare. At the time of reporting, this variant has not been classified in ClinVar. At this time, the clinical significance of this variant is uncertain due to the absence of conclusive functional and genetic evidence.